The following is an entry in ClinVar:

ClinVar aggregate classification (germline): Likely benign. Review status: criteria provided, multiple submitters, no conflicts (2 of 4 stars). 3 submissions from 3 submitters: Likely benign (3). Last evaluated 2025-12-10.

Conditions:
PCLO-related disorder. Also called: PCLO-related condition.

Allele frequency attached by ClinVar (database versions not stated): TOPMed 0.00008; gnomAD 0.00010 and 0.00030; gnomAD exomes 0.00028 and 0.00039; ExAC 0.00038; 1000 Genomes Project 30x 0.00125; 1000 Genomes Project 0.00160.
gnomAD v4.1: 597 of 1,607,348 alleles (0.037%); highest among the groups gnomAD compares: East Asian, 1.2%; 4 homozygotes.

Submissions (3):

PreventionGenetics, part of Exact Sciences
Classification: Likely benign for PCLO-related condition. Last evaluated: 2025-12-10. Review status: criteria provided, single submitter. Criteria: ACMG Guidelines, 2015. Collection method: clinical testing. Allele origin: germline.
Comment: This variant is classified as likely benign based on ACMG/AMP sequence variant interpretation guidelines (Richards et al. 2015 PMID: 25741868, with internal and published modifications).

Labcorp Genetics (formerly Invitae), Labcorp
Classification: Likely benign. Last evaluated: 2025-07-08. Review status: criteria provided, single submitter. Criteria: Invitae Variant Classification Sherloc (09022015). Collection method: clinical testing. Allele origin: germline.

Blueprint Genetics
Classification: Likely benign. Last evaluated: 2024-08-29. Review status: criteria provided, single submitter. Criteria: ACMG Guidelines, 2015. Collection method: clinical testing. Allele origin: germline.

NM_033026.6(PCLO):c.3677A>G (p.Lys1226Arg)

Gene: PCLO (piccolo presynaptic cytomatrix protein; minus strand). Cytogenetic location: 7q21.11.
Variant type: single nucleotide variant.
Coding change: c.3677A>G on transcript NM_033026.6 (MANE Select); coding-DNA position 3677, A replaced by G.
Protein change: p.Lys1226Arg; replaces lysine 1226 with arginine.
Molecular consequence: missense variant.
Genome position (GRCh38, 1-based): chr7:82,966,111, T>C on the plus strand (A>G on the coding strand, the complement: PCLO is on the minus strand). VCF-style: chr7-82966111-T-C. GRCh37 (hg19) VCF-style: chr7-82595427-T-C.
Other names: c.3677A>G (NM_033026.5); c.3677A>G, p.Lys1226Arg (NM_014510.3); short protein forms K1226R.
Identifiers: ClinVar variation 1666440 (VCV001666440.10), dbSNP rs75882660, ClinGen allele CA4320987.
Genomic context (GRCh38, chr7:82,966,111, plus strand): 5'-TTGTCTTCAGGGGTTGGCTTTTTTTCTTCTAGGAGTGGCTTTTTTTCTTCAGAACGTATC[T>C]TTTCTTCTTCAGGGATTAGTTTTTTTTCTTCAGGGAGTGGCTTTTTTTCTTGAAGAGCTG-3'
Protein context (NP_149015.2, residues 1216-1236): EEKKLIPEEE[Lys1226Arg]IRSEEKKPLL